The following is an entry in ClinVar:

NM_145059.3(FCSK):c.394G>C (p.Asp132His)

Gene: FCSK (fucose kinase; plus strand). Cytogenetic location: 16q22.1.
Variant type: single nucleotide variant.
Coding change: c.394G>C on transcript NM_145059.3 (MANE Select); coding-DNA position 394, G replaced by C.
Protein change: p.Asp132His; replaces aspartic acid 132 with histidine.
Molecular consequence: missense variant.
Genome position (GRCh38, 1-based): chr16:70,466,240, G>C. VCF-style: chr16-70466240-G-C. GRCh37 (hg19) VCF-style: chr16-70500143-G-C.
Other names: short protein forms D132H.
Identifiers: ClinVar variation 1050807 (VCV001050807.8), dbSNP rs543223292, ClinGen allele CA8142869.
Genomic context (GRCh38, chr16:70,466,240, plus strand): 5'-CCCGTGGAGAACCCCGAGGCCCCCGTGGAAGCCTTGGTCTGCAACCTGGACTGCCTGCTG[G>C]ACATCATGACCTATCGGGTGAGGCTGGGTGGTGGCCCGTGGTGCCTCGTCCCAGATAGAG-3'
Protein context (NP_659496.2, residues 122-142): ALVCNLDCLL[Asp132His]IMTYRLGPGS

ClinVar aggregate classification (germline): Uncertain significance. Review status: criteria provided, single submitter (1 of 4 stars). 2 submissions from 2 submitters: Uncertain significance (1). 1 of the submissions does not count toward it. Last evaluated 2025-10-01.

Conditions:
Congenital disorder of glycosylation with defective fucosylation 2 (CDGF2). Identifiers: MedGen C5193028, MONDO:0020777, OMIM 618324.

Allele frequency attached by ClinVar (database versions not stated): ExAC 0.00002; gnomAD 0.00004 and 0.00005; TOPMed 0.00005; gnomAD exomes 0.00002; 1000 Genomes Project 30x 0.00016; 1000 Genomes Project 0.00020.

Submissions (2):

Labcorp Genetics (formerly Invitae), Labcorp
Classification: Uncertain significance. Last evaluated: 2025-10-01. Review status: criteria provided, single submitter. Criteria: Invitae Variant Classification Sherloc (09022015). Collection method: clinical testing. Allele origin: germline.
Comment: This sequence change replaces aspartic acid, which is acidic and polar, with histidine, which is basic and polar, at codon 132 of the FUK protein (p.Asp132His). This variant is present in population databases (rs543223292, gnomAD 0.009%). This variant has not been reported in the literature in individuals affected with FUK-related conditions. ClinVar contains an entry for this variant (Variation ID: 1050807). An algorithm developed to predict the effect of missense changes on protein structure and function (PolyPhen-2) suggests that this variant is likely to be disruptive. In summary, the available evidence is currently insufficient to determine the role of this variant in disease. Therefore, it has been classified as a Variant of Uncertain Significance.

Comprehensive Medical Genetic Center, Shiraz University of Medical Sciences
Classification: Uncertain significance for Congenital disorder of glycosylation with defective fucosylation 2. Last evaluated: 2021-03-17. Review status: no assertion criteria provided. Collection method: clinical testing. Allele origin: inherited. Inheritance: Autosomal recessive inheritance. Affected: yes. Observed: 1 variant allele, 1 homozygote. Not counted in ClinVar's aggregate classification.